The following is an entry in ClinVar:

NM_001365536.1(SCN9A):c.966-8G>A

Genes: SCN1A-AS1 (SCN1A and SCN9A antisense RNA 1; plus strand), SCN9A (sodium voltage-gated channel alpha subunit 9; minus strand). Cytogenetic location: 2q24.3.
Variant type: single nucleotide variant.
Coding change: c.966-8G>A on transcript NM_001365536.1 (MANE Select); 8 bases into the intron before coding-DNA position 966, G replaced by A.
Molecular consequence: intron variant.
Genome position (GRCh38, 1-based): chr2:166,293,380, C>T on the plus strand (G>A on the coding strand, the complement: SCN9A is on the minus strand). VCF-style: chr2-166293380-C-T. GRCh37 (hg19) VCF-style: chr2-167149890-C-T.
Other names: c.966-8G>A (NM_002977.4).
Identifiers: ClinVar variation 511675 (VCV000511675.16), dbSNP rs199942413, ClinGen allele CA1944616.
Genomic context (GRCh38, chr2:166,293,380, plus strand): 5'-CATAATCAGGGTTTCTGCCAATTTTCACACAGGTGTACCCCTCTGGACACTGACTACACA[C>T]GAGAAAGAACATTATAGGTGAGAGTGTCTTCAGGACACAAGCTAAATAGCCTTACTGAAA-3'

ClinVar aggregate classification (germline): Likely benign. Review status: criteria provided, multiple submitters, no conflicts (2 of 4 stars). 5 submissions from 5 submitters: Likely benign (3). 2 of the submissions do not count toward it. Last evaluated 2026-02-18.

Conditions:
SCN9A-related disorder. Also called: SCN9A-related disorders; SCN9A-related condition.
Generalized epilepsy with febrile seizures plus, type 7 (GEFSP7). Also called: GEFS+, TYPE 7. Identifiers: Orphanet 36387, MedGen C2751778, MONDO:0013470, OMIM 613863.
Neuropathy, hereditary sensory and autonomic, type 2A (HSAN2A). Also called: HSAN IIA; ACROOSTEOLYSIS, GIACCAI TYPE; ACROOSTEOLYSIS, NEUROGENIC; WNK1-Related HSAN2 (HSAN2A); MORVAN DISEASE; NEUROPATHY, CONGENITAL SENSORY. Identifiers: Orphanet 970, MedGen C2752089, MONDO:0024309, OMIM 201300.

Allele frequency attached by ClinVar (database versions not stated): gnomAD 0.00003; TOPMed 0.00004; ExAC 0.00008; gnomAD exomes 0.00009.
gnomAD v4.1: 82 of 1,596,480 alleles (0.0051%); highest among the groups gnomAD compares: East Asian, 0.013%; no homozygotes.

Submissions (5):

PreventionGenetics, part of Exact Sciences
Classification: Likely benign for SCN9A-related condition. Last evaluated: 2026-02-18. Review status: criteria provided, single submitter. Criteria: ACMG Guidelines, 2015. Collection method: clinical testing. Allele origin: germline.
Comment: This variant is classified as likely benign based on ACMG/AMP sequence variant interpretation guidelines (Richards et al. 2015 PMID: 25741868, with internal and published modifications).

Labcorp Genetics (formerly Invitae), Labcorp
Classification: Likely benign for Neuropathy, hereditary sensory and autonomic, type 2A; Generalized epilepsy with febrile seizures plus, type 7. Last evaluated: 2025-11-12. Review status: criteria provided, single submitter. Criteria: Invitae Variant Classification Sherloc (09022015). Collection method: clinical testing. Allele origin: germline.

GeneDx
Classification: Likely benign. Last evaluated: 2017-08-31. Review status: criteria provided, single submitter. Criteria: GeneDx Variant Classification (06012015). Collection method: clinical testing. Allele origin: germline. Affected: yes.
Comment: This variant is considered likely benign or benign based on one or more of the following criteria: it is a conservative change, it occurs at a poorly conserved position in the protein, it is predicted to be benign by multiple in silico algorithms, and/or has population frequency not consistent with disease.

Clinical Genetics, Academic Medical Center
Classification: Likely benign. Review status: no assertion criteria provided. Collection method: clinical testing. Allele origin: germline. Affected: yes. Study: VKGL Data-share Consensus. Not counted in ClinVar's aggregate classification.

Joint Genome Diagnostic Labs from Nijmegen and Maastricht, Radboudumc and MUMC+
Classification: Likely benign. Review status: no assertion criteria provided. Collection method: clinical testing. Allele origin: germline. Affected: yes. Study: VKGL Data-share Consensus. Not counted in ClinVar's aggregate classification.